The following is an entry in ClinVar:

NM_001378418.1(TCF20):c.2940G>A (p.Pro980=)

Gene: TCF20 (transcription factor 20; minus strand). Cytogenetic location: 22q13.2.
Variant type: single nucleotide variant.
Coding change: c.2940G>A on transcript NM_001378418.1 (MANE Select); coding-DNA position 2940, G replaced by A.
Protein change: p.Pro980=; no amino-acid change (proline 980 retained).
Molecular consequence: synonymous variant.
Genome position (GRCh38, 1-based): chr22:42,212,366, C>T on the plus strand (G>A on the coding strand, the complement: TCF20 is on the minus strand). VCF-style: chr22-42212366-C-T. GRCh37 (hg19) VCF-style: chr22-42608372-C-T.
Other names: c.2940G>A, p.Pro980= (NM_005650.4, NM_181492.3).
Identifiers: ClinVar variation 728332 (VCV000728332.32), dbSNP rs374547518, ClinGen allele CA10266930.
Genomic context (GRCh38, chr22:42,212,366, plus strand): 5'-GCCCTCCCGACCACCAACTCTGCCAGGGACCCGCCGCATTGGCGTGGGTCTGCTGTCTTG[C>T]GGGCCATAGTCTGAAAGGGAATCATGGGTTGCTGCTCCAGGGCTGGCATTGCCGCGGTAA-3'
Protein context (NP_001365347.1, residues 970-990): ATHDSLSDYG[Pro980=]QDSRPTPMRR

ClinVar aggregate classification (germline): Likely benign. Review status: criteria provided, multiple submitters, no conflicts (2 of 4 stars). 3 submissions from 3 submitters: Likely benign (3). Last evaluated 2025-10-09.

Allele frequency attached by ClinVar (database versions not stated): ExAC 0.00007; ESP Exome Variant Server 0.00008; gnomAD exomes 0.00008; TOPMed 0.00010; gnomAD 0.00012 and 0.00013; 1000 Genomes Project 30x 0.00031; 1000 Genomes Project 0.00040.
gnomAD v4.1: 173 of 1,614,214 alleles (0.011%); highest among the groups gnomAD compares: Admixed American, 0.045%; no homozygotes.

Submissions (3):

Labcorp Genetics (formerly Invitae), Labcorp
Classification: Likely benign. Last evaluated: 2025-10-09. Review status: criteria provided, single submitter. Criteria: Invitae Variant Classification Sherloc (09022015). Collection method: clinical testing. Allele origin: germline.

CeGaT Center for Human Genetics Tuebingen
Classification: Likely benign. Last evaluated: 2025-03-01. Review status: criteria provided, single submitter. Criteria: CeGaT Center For Human Genetics Tuebingen Variant Classification Criteria Version 2. Collection method: clinical testing. Allele origin: germline. Affected: yes. Observed: 2 variant alleles.
Comment: TCF20: BP4, BP7

Breakthrough Genomics
Classification: Likely benign. Review status: criteria provided, single submitter. Criteria: ACMG Guidelines, 2015. Collection method: not provided. Allele origin: germline. Inheritance: Autosomal dominant inheritance. Affected: yes.